The following is an entry in ClinVar:

NM_152743.4(BRAT1):c.1983C>G (p.Phe661Leu)

Gene: BRAT1 (BRCA1 associated ATM activator 1; minus strand). Cytogenetic location: 7p22.3.
Variant type: single nucleotide variant.
Coding change: c.1983C>G on transcript NM_152743.4 (MANE Select); coding-DNA position 1983, C replaced by G.
Protein change: p.Phe661Leu; replaces phenylalanine 661 with leucine.
Molecular consequence: missense variant. On other transcripts: non-coding transcript variant (1).
Genome position (GRCh38, 1-based): chr7:2,538,552, G>C on the plus strand (C>G on the coding strand, the complement: BRAT1 is on the minus strand). VCF-style: chr7-2538552-G-C. GRCh37 (hg19) VCF-style: chr7-2578186-G-C.
Other names: c.2163C>G, p.Phe721Leu (NM_001350626.2); c.1458C>G, p.Phe486Leu (NM_001350627.2); short protein forms F661L, F721L, F486L.
Identifiers: ClinVar variation 1037267 (VCV001037267.9), dbSNP rs894725088, ClinGen allele CA152664826.

ClinVar aggregate classification (germline): Uncertain significance (1 of 4 stars; one submission).

Conditions:
Neonatal-onset encephalopathy with rigidity and seizures. Also called: Lethal neonatal spasticity-epileptic encephalopathy syndrome. Identifiers: Orphanet 435845, MedGen C3281029, MONDO:0013784, OMIM 614498.

Allele frequency attached by ClinVar (database versions not stated): gnomAD exomes below 0.00001; TOPMed below 0.00001.

Submission:

Labcorp Genetics (formerly Invitae), Labcorp
Classification: Uncertain significance for Neonatal-onset encephalopathy with rigidity and seizures. Last evaluated: 2020-06-26. Review status: criteria provided, single submitter. Criteria: Invitae Variant Classification Sherloc (09022015). Collection method: clinical testing. Allele origin: germline.
Comment: This sequence change replaces phenylalanine with leucine at codon 661 of the BRAT1 protein (p.Phe661Leu). The phenylalanine residue is highly conserved and there is a small physicochemical difference between phenylalanine and leucine. This variant is not present in population databases (ExAC no frequency). This variant has not been reported in the literature in individuals with BRAT1-related conditions. Algorithms developed to predict the effect of missense changes on protein structure and function (SIFT, PolyPhen-2, Align-GVGD) all suggest that this variant is likely to be tolerated, but these predictions have not been confirmed by published functional studies and their clinical significance is uncertain. In summary, the available evidence is currently insufficient to determine the role of this variant in disease. Therefore, it has been classified as a Variant of Uncertain Significance.